The following is an entry in ClinVar:

NM_000138.5(FBN1):c.2921G>A (p.Arg974His)

Gene: FBN1 (fibrillin 1; minus strand). Cytogenetic location: 15q21.1.
Variant type: single nucleotide variant.
Coding change: c.2921G>A on transcript NM_000138.5 (MANE Select); coding-DNA position 2921, G replaced by A.
Protein change: p.Arg974His; replaces arginine 974 with histidine.
Molecular consequence: missense variant.
Genome position (GRCh38, 1-based): chr15:48,490,012, C>T on the plus strand (G>A on the coding strand, the complement: FBN1 is on the minus strand). VCF-style: chr15-48490012-C-T. GRCh37 (hg19) VCF-style: chr15-48782209-C-T.
Other names: short protein forms R974H.
Identifiers: ClinVar variation 1329083 (VCV001329083.10), dbSNP rs763094223, ClinGen allele CA049352.

ClinVar aggregate classification (germline): Uncertain significance. Review status: criteria provided, multiple submitters, no conflicts (2 of 4 stars). 3 submissions from 3 submitters: Uncertain significance (3). Last evaluated 2025-12-18.

Conditions:
Marfan syndrome (MFS). Also called: Marfan syndrome type 1; Marfan's syndrome; FBN1-Related Marfan Syndrome; MARFAN SYNDROME, TYPE I; Marfan syndrome, classic. Identifiers: Orphanet 284963, Orphanet 558, MedGen C0024796, MONDO:0007947, OMIM 154700.
Familial thoracic aortic aneurysm and aortic dissection (TAAD). Also called: Thoracic aortic aneurysms and dissections. Identifiers: Orphanet 91387, MedGen C4707243, MONDO:0019625.

Allele frequency attached by ClinVar (database versions not stated): gnomAD exomes 0.00001 and 0.00002; ExAC 0.00002; gnomAD 0.00006; TOPMed 0.00005.
gnomAD v4.1: 19 of 1,613,980 alleles (0.0012%); highest among the groups gnomAD compares: African/African-American, 0.012%; no homozygotes.

Submissions (3):

Labcorp Genetics (formerly Invitae), Labcorp
Classification: Uncertain significance for Marfan syndrome; Familial thoracic aortic aneurysm and aortic dissection. Last evaluated: 2025-12-18. Review status: criteria provided, single submitter. Criteria: Invitae Variant Classification Sherloc (09022015). Collection method: clinical testing. Allele origin: germline.
Comment: This sequence change replaces arginine, which is basic and polar, with histidine, which is basic and polar, at codon 974 of the FBN1 protein (p.Arg974His). This variant is present in population databases (rs763094223, gnomAD 0.02%). This variant has not been reported in the literature in individuals affected with FBN1-related conditions. ClinVar contains an entry for this variant (Variation ID: 1329083). Invitae Evidence Modeling of protein sequence and biophysical properties (such as structural, functional, and spatial information, amino acid conservation, physicochemical variation, residue mobility, and thermodynamic stability) indicates that this missense variant is expected to disrupt FBN1 protein function with a positive predictive value of 95%. In summary, the available evidence is currently insufficient to determine the role of this variant in disease. Therefore, it has been classified as a Variant of Uncertain Significance.

Color Diagnostics, LLC DBA Color Health
Classification: Uncertain significance for Familial thoracic aortic aneurysm and aortic dissection. Last evaluated: 2025-09-05. Review status: criteria provided, single submitter. Criteria: ACMG Guidelines, 2015. Collection method: clinical testing. Allele origin: germline.
Comment: This missense variant replaces arginine with histidine at codon 974 of the FBN1 protein. Computational prediction suggests that this variant may have deleterious impact on protein structure and function. To our knowledge, functional studies have not been reported for this variant. This variant has not been reported in individuals affected with FBN1-related disorders in the literature. This variant has been identified in 9/282828 chromosomes in the general population by the Genome Aggregation Database (gnomAD). The available evidence is insufficient to determine the role of this variant in disease conclusively. Therefore, this variant is classified as a Variant of Uncertain Significance.

Women's Health and Genetics/Laboratory Corporation of America, LabCorp
Classification: Uncertain significance. Last evaluated: 2021-11-15. Review status: criteria provided, single submitter. Criteria: LabCorp Variant Classification Summary - May 2015. Collection method: clinical testing. Allele origin: germline.
Comment: Variant summary: FBN1 c.2921G>A (p.Arg974His) results in a non-conservative amino acid change in the encoded protein sequence. Four of five in-silico tools predict a damaging effect of the variant on protein function. The variant allele was found at a frequency of 2.4e-05 in 251458 control chromosomes (gnomAD). The available data on variant occurrences in the general population are insufficient to allow any conclusion about variant significance. To our knowledge, no occurrence of c.2921G>A in individuals affected with Marfan Syndrome and no experimental evidence demonstrating its impact on protein function have been reported. No clinical diagnostic laboratories have submitted clinical-significance assessments for this variant to ClinVar after 2014. Based on the evidence outlined above, the variant was classified as uncertain significance.